The following is an entry in ClinVar:

ClinVar aggregate classification (germline): Benign/Likely benign. Review status: criteria provided, multiple submitters, no conflicts (2 of 4 stars). 3 submissions from 3 submitters: Benign (1); Likely benign (2). Last evaluated 2026-01-26.

Allele frequency attached by ClinVar (database versions not stated): 1000 Genomes Project 0.00060; 1000 Genomes Project 30x 0.00062; TOPMed 0.00400; ESP Exome Variant Server 0.00408; ExAC 0.00412; gnomAD exomes 0.00416 and 0.00642; gnomAD 0.00491 and 0.00515.
gnomAD v4.1: 10,012 of 1,611,056 alleles (0.62%); highest among the groups gnomAD compares: Non-Finnish European, 0.77%; 42 homozygotes.

Submissions (35):

Labcorp Genetics (formerly Invitae), Labcorp
Classification: Benign. Last evaluated: 2026-01-26. Review status: criteria provided, single submitter. Criteria: Invitae Variant Classification Sherloc (09022015). Collection method: clinical testing. Allele origin: germline.

CeGaT Center for Human Genetics Tuebingen
Classification: Likely benign. Last evaluated: 2025-11-01. Review status: criteria provided, single submitter. Criteria: CeGaT Center For Human Genetics Tuebingen Variant Classification Criteria Version 2. Collection method: clinical testing. Allele origin: germline. Affected: yes. Observed: 3 variant alleles.
Comment: WDR36: BP4, BS2

Blueprint Genetics
Classification: Likely benign. Last evaluated: 2024-11-26. Review status: criteria provided, single submitter. Criteria: ACMG Guidelines, 2015. Collection method: clinical testing. Allele origin: germline.

Dr. Peter K. Rogan Lab, Western University
No classification provided (evidence only). Condition: Clear cell carcinoma of kidney. Review status: no classification provided. Collection method: in vitro. Allele origin: not applicable. Functional consequence: skipped exon, retained intron. Not counted in ClinVar's aggregate classification.

Dr. Peter K. Rogan Lab, Western University
No classification provided (evidence only). Condition: Clear cell carcinoma of kidney. Review status: no classification provided. Collection method: in vitro. Allele origin: not applicable. Functional consequence: retained intron. Not counted in ClinVar's aggregate classification.

Dr. Peter K. Rogan Lab, Western University
No classification provided (evidence only). Condition: Clear cell carcinoma of kidney. Review status: no classification provided. Collection method: in vitro. Allele origin: not applicable. Functional consequence: retained intron. Not counted in ClinVar's aggregate classification.

Dr. Peter K. Rogan Lab, Western University
No classification provided (evidence only). Condition: Clear cell carcinoma of kidney. Review status: no classification provided. Collection method: in vitro. Allele origin: not applicable. Functional consequence: retained intron. Not counted in ClinVar's aggregate classification.

Dr. Peter K. Rogan Lab, Western University
No classification provided (evidence only). Condition: Clear cell carcinoma of kidney. Review status: no classification provided. Collection method: in vitro. Allele origin: not applicable. Functional consequence: skipped exon, retained intron. Not counted in ClinVar's aggregate classification.

Dr. Peter K. Rogan Lab, Western University
No classification provided (evidence only). Condition: Lung cancer. Review status: no classification provided. Collection method: in vitro. Allele origin: not applicable. Functional consequence: skipped exon. Not counted in ClinVar's aggregate classification.

Dr. Peter K. Rogan Lab, Western University
No classification provided (evidence only). Condition: Lung cancer. Review status: no classification provided. Collection method: in vitro. Allele origin: not applicable. Functional consequence: retained intron. Not counted in ClinVar's aggregate classification.

Dr. Peter K. Rogan Lab, Western University
No classification provided (evidence only). Condition: Lung cancer. Review status: no classification provided. Collection method: in vitro. Allele origin: not applicable. Functional consequence: retained intron. Not counted in ClinVar's aggregate classification.

Dr. Peter K. Rogan Lab, Western University
No classification provided (evidence only). Condition: Familial cancer of breast. Review status: no classification provided. Collection method: in vitro. Allele origin: not applicable. Functional consequence: skipped exon. Not counted in ClinVar's aggregate classification.

Dr. Peter K. Rogan Lab, Western University
No classification provided (evidence only). Condition: Familial cancer of breast. Review status: no classification provided. Collection method: in vitro. Allele origin: not applicable. Functional consequence: skipped exon, retained intron. Not counted in ClinVar's aggregate classification.

Dr. Peter K. Rogan Lab, Western University
No classification provided (evidence only). Condition: Familial cancer of breast. Review status: no classification provided. Collection method: in vitro. Allele origin: not applicable. Functional consequence: skipped exon, retained intron. Not counted in ClinVar's aggregate classification.

Dr. Peter K. Rogan Lab, Western University
No classification provided (evidence only). Condition: Familial cancer of breast. Review status: no classification provided. Collection method: in vitro. Allele origin: not applicable. Functional consequence: retained intron. Not counted in ClinVar's aggregate classification.

Dr. Peter K. Rogan Lab, Western University
No classification provided (evidence only). Condition: Familial cancer of breast. Review status: no classification provided. Collection method: in vitro. Allele origin: not applicable. Functional consequence: skipped exon, retained intron. Not counted in ClinVar's aggregate classification.

Dr. Peter K. Rogan Lab, Western University
No classification provided (evidence only). Condition: Familial cancer of breast. Review status: no classification provided. Collection method: in vitro. Allele origin: not applicable. Functional consequence: retained intron. Not counted in ClinVar's aggregate classification.

Dr. Peter K. Rogan Lab, Western University
No classification provided (evidence only). Condition: Familial cancer of breast. Review status: no classification provided. Collection method: in vitro. Allele origin: not applicable. Functional consequence: retained intron. Not counted in ClinVar's aggregate classification.

Dr. Peter K. Rogan Lab, Western University
No classification provided (evidence only). Condition: Familial cancer of breast. Review status: no classification provided. Collection method: in vitro. Allele origin: not applicable. Functional consequence: retained intron. Not counted in ClinVar's aggregate classification.

Dr. Peter K. Rogan Lab, Western University
No classification provided (evidence only). Condition: Familial cancer of breast. Review status: no classification provided. Collection method: in vitro. Allele origin: not applicable. Functional consequence: retained intron. Not counted in ClinVar's aggregate classification.

Dr. Peter K. Rogan Lab, Western University
No classification provided (evidence only). Condition: Colon adenocarcinoma. Review status: no classification provided. Collection method: in vitro. Allele origin: not applicable. Functional consequence: retained intron. Not counted in ClinVar's aggregate classification.

Dr. Peter K. Rogan Lab, Western University
No classification provided (evidence only). Condition: Colorectal cancer. Review status: no classification provided. Collection method: in vitro. Allele origin: not applicable. Functional consequence: retained intron. Not counted in ClinVar's aggregate classification.

Dr. Peter K. Rogan Lab, Western University
No classification provided (evidence only). Condition: Thyroid cancer, nonmedullary, 1. Review status: no classification provided. Collection method: in vitro. Allele origin: not applicable. Functional consequence: retained intron. Not counted in ClinVar's aggregate classification.

Dr. Peter K. Rogan Lab, Western University
No classification provided (evidence only). Condition: Thyroid cancer, nonmedullary, 1. Review status: no classification provided. Collection method: in vitro. Allele origin: not applicable. Functional consequence: retained intron. Not counted in ClinVar's aggregate classification.

Dr. Peter K. Rogan Lab, Western University
No classification provided (evidence only). Condition: Thyroid cancer, nonmedullary, 1. Review status: no classification provided. Collection method: in vitro. Allele origin: not applicable. Functional consequence: retained intron. Not counted in ClinVar's aggregate classification.

Dr. Peter K. Rogan Lab, Western University
No classification provided (evidence only). Condition: Thyroid cancer, nonmedullary, 1. Review status: no classification provided. Collection method: in vitro. Allele origin: not applicable. Functional consequence: retained intron. Not counted in ClinVar's aggregate classification.

Dr. Peter K. Rogan Lab, Western University
No classification provided (evidence only). Condition: Cervical cancer. Review status: no classification provided. Collection method: in vitro. Allele origin: not applicable. Functional consequence: skipped exon. Not counted in ClinVar's aggregate classification.

Dr. Peter K. Rogan Lab, Western University
No classification provided (evidence only). Condition: Sarcoma. Review status: no classification provided. Collection method: in vitro. Allele origin: not applicable. Functional consequence: skipped exon, retained intron. Not counted in ClinVar's aggregate classification.

Dr. Peter K. Rogan Lab, Western University
No classification provided (evidence only). Condition: Hepatocellular carcinoma. Review status: no classification provided. Collection method: in vitro. Allele origin: not applicable. Functional consequence: retained intron. Not counted in ClinVar's aggregate classification.

Dr. Peter K. Rogan Lab, Western University
No classification provided (evidence only). Condition: Nonpapillary renal cell carcinoma. Review status: no classification provided. Collection method: in vitro. Allele origin: not applicable. Functional consequence: retained intron. Not counted in ClinVar's aggregate classification.

Dr. Peter K. Rogan Lab, Western University
No classification provided (evidence only). Condition: Ovarian serous cystadenocarcinoma. Review status: no classification provided. Collection method: in vitro. Allele origin: not applicable. Functional consequence: retained intron. Not counted in ClinVar's aggregate classification.

Dr. Peter K. Rogan Lab, Western University
No classification provided (evidence only). Condition: Ovarian serous cystadenocarcinoma. Review status: no classification provided. Collection method: in vitro. Allele origin: not applicable. Functional consequence: retained intron. Not counted in ClinVar's aggregate classification.

Dr. Peter K. Rogan Lab, Western University
No classification provided (evidence only). Condition: Gastric cancer. Review status: no classification provided. Collection method: in vitro. Allele origin: not applicable. Functional consequence: retained intron. Not counted in ClinVar's aggregate classification.

Dr. Peter K. Rogan Lab, Western University
No classification provided (evidence only). Condition: Malignant tumor of esophagus. Review status: no classification provided. Collection method: in vitro. Allele origin: not applicable. Functional consequence: skipped exon, retained intron. Not counted in ClinVar's aggregate classification.

Dr. Peter K. Rogan Lab, Western University
No classification provided (evidence only). Condition: Malignant tumor of esophagus. Review status: no classification provided. Collection method: in vitro. Allele origin: not applicable. Functional consequence: skipped exon, retained intron. Not counted in ClinVar's aggregate classification.

NM_139281.3(WDR36):c.320C>T (p.Ala107Val)

Gene: WDR36 (WD repeat domain 36; plus strand). Cytogenetic location: 5q22.1.
Variant type: single nucleotide variant.
Coding change: c.320C>T on transcript NM_139281.3 (MANE Select); coding-DNA position 320, C replaced by T.
Protein change: p.Ala107Val; replaces alanine 107 with valine.
Molecular consequence: missense variant.
Genome position (GRCh38, 1-based): chr5:111,098,750, C>T. VCF-style: chr5-111098750-C-T. GRCh37 (hg19) VCF-style: chr5-110434448-C-T.
Other names: short protein forms A107V.
Identifiers: ClinVar variation 1599814 (VCV001599814.34), dbSNP rs62376783, ClinGen allele CA3365259.